The following is an entry in ClinVar:

NM_138694.4(PKHD1):c.9219G>A (p.Trp3073Ter)

Gene: PKHD1 (PKHD1 ciliary IPT domain containing fibrocystin/polyductin; minus strand). Cytogenetic location: 6p12.3.
Variant type: single nucleotide variant.
Coding change: c.9219G>A on transcript NM_138694.4 (MANE Select); coding-DNA position 9219, G replaced by A.
Protein change: p.Trp3073Ter; replaces tryptophan 3073 with a stop codon.
Molecular consequence: nonsense.
Genome position (GRCh38, 1-based): chr6:51,748,397, C>T on the plus strand (G>A on the coding strand, the complement: PKHD1 is on the minus strand). VCF-style: chr6-51748397-C-T. GRCh37 (hg19) VCF-style: chr6-51613195-C-T.
Other names: c.9219G>A, p.Trp3073Ter (NM_170724.3); short protein forms W3073*.
Identifiers: ClinVar variation 1453147 (VCV001453147.6), dbSNP rs761075492, ClinGen allele CA364422790.

ClinVar aggregate classification (germline): Pathogenic (1 of 4 stars; one submission).

Conditions:
Autosomal recessive polycystic kidney disease (ARPKD). Also called: AR polycystic kidney disease. Identifiers: Orphanet 731, Orphanet 8378, MedGen C0085548, MeSH D017044, MONDO:0009889.

Submission:

Labcorp Genetics (formerly Invitae), Labcorp
Classification: Pathogenic for Autosomal recessive polycystic kidney disease. Last evaluated: 2021-10-03. Review status: criteria provided, single submitter. Criteria: Invitae Variant Classification Sherloc (09022015). Collection method: clinical testing. Allele origin: germline.
Comment: For these reasons, this variant has been classified as Pathogenic. This premature translational stop signal has been observed in individual(s) with clinical features of polycystic kidney disease (PMID: 30595564). This variant is not present in population databases (ExAC no frequency). This sequence change creates a premature translational stop signal (p.Trp3073*) in the PKHD1 gene. It is expected to result in an absent or disrupted protein product. Loss-of-function variants in PKHD1 are known to be pathogenic (PMID: 19940839).

Literature cited by the submitters: PubMed 30595564; PubMed 19940839.